The following is an entry in ClinVar:

ClinVar aggregate classification (germline): Benign/Likely benign. Review status: criteria provided, multiple submitters, no conflicts (2 of 4 stars). 11 submissions from 11 submitters: Benign (8); Likely benign (2). 1 of the submissions does not count toward it. Last evaluated 2026-01-05.

Conditions:
WDR62-related disorder. Also called: WDR62-related condition.
Microcephaly 2, primary, autosomal recessive, with or without cortical malformations. Also called: MICROCEPHALY 2, PRIMARY, AUTOSOMAL RECESSIVE, WITH CORTICAL MALFORMATIONS; WDR62 Primary Microcephaly. Identifiers: Orphanet 2512, MedGen C1858535, MONDO:0011435, OMIM 604317.

Allele frequency attached by ClinVar (database versions not stated): 1000 Genomes Project 30x 0.00921; gnomAD 0.00953 and 0.00882; TOPMed 0.01050; gnomAD exomes 0.00233; ExAC 0.00496; 1000 Genomes Project 0.00779; ESP Exome Variant Server 0.00873.

Submissions (11):

Labcorp Genetics (formerly Invitae), Labcorp
Classification: Benign. Last evaluated: 2026-01-05. Review status: criteria provided, single submitter. Criteria: Invitae Variant Classification Sherloc (09022015). Collection method: clinical testing. Allele origin: germline.

Genome-Nilou Lab
Classification: Benign for Microcephaly 2, primary, autosomal recessive, with or without cortical malformations. Last evaluated: 2021-12-05. Review status: criteria provided, single submitter. Criteria: ACMG Guidelines, 2015. Collection method: clinical testing. Allele origin: germline. Affected: no.

Fulgent Genetics
Classification: Benign for Microcephaly 2, primary, autosomal recessive, with or without cortical malformations. Last evaluated: 2021-08-26. Review status: criteria provided, single submitter. Criteria: ACMG Guidelines, 2015. Collection method: clinical testing. Allele origin: unknown.

Mayo Clinic Laboratories, Mayo Clinic
Classification: Benign. Last evaluated: 2020-11-25. Review status: criteria provided, single submitter. Criteria: ACMG Guidelines, 2015. Collection method: clinical testing. Allele origin: germline. Observed: 2 variant alleles.

GeneDx
Classification: Benign. Last evaluated: 2018-03-21. Review status: criteria provided, single submitter. Criteria: GeneDx Variant Classification Process June 2021. Collection method: clinical testing. Allele origin: germline. Affected: yes.

Illumina Laboratory Services, Illumina
Classification: Likely benign for Microcephaly 2, primary, autosomal recessive, with or without cortical malformations. Last evaluated: 2017-04-27. Review status: criteria provided, single submitter. Criteria: ICSL Variant Classification Criteria 13 December 2019. Collection method: clinical testing. Allele origin: germline.
Comment: This variant was observed as part of a predisposition screen in an ostensibly healthy population. A literature search was performed for the gene, cDNA change, and amino acid change (where applicable). Publications were found based on this search. The evidence from the literature, in combination with allele frequency data from public databases where available, was sufficient to determine this variant is unlikely to cause disease. Therefore, this variant is classified as likely benign.

Athena Diagnostics
Classification: Benign. Last evaluated: 2016-10-28. Review status: criteria provided, single submitter. Criteria: Athena Diagnostics Criteria. Collection method: clinical testing. Allele origin: germline.

Genetic Services Laboratory, University of Chicago
Classification: Benign. Last evaluated: 2015-12-03. Review status: criteria provided, single submitter. Criteria: ACMG Guidelines, 2015. Collection method: clinical testing. Allele origin: germline. Affected: no.

Eurofins Ntd Llc (ga)
Classification: Benign. Last evaluated: 2014-08-29. Review status: criteria provided, single submitter. Criteria: EGL Classification Definitions 2015. Collection method: clinical testing. Allele origin: germline. Observed: 1 variant allele, 1 heterozygote.

Breakthrough Genomics
Classification: Likely benign. Review status: criteria provided, single submitter. Criteria: ACMG Guidelines, 2015. Collection method: not provided. Allele origin: germline. Inheritance: Autosomal recessive inheritance. Affected: yes.

PreventionGenetics, part of Exact Sciences
Classification: Benign for WDR62-related condition. Last evaluated: 2019-07-18. Review status: no assertion criteria provided. Collection method: clinical testing. Allele origin: germline. Not counted in ClinVar's aggregate classification.
Comment: This variant is classified as benign based on ACMG/AMP sequence variant interpretation guidelines (Richards et al. 2015 PMID: 25741868, with internal and published modifications).

Literature cited by the submitters: PubMed 20729831 (cited by Illumina Laboratory Services, Illumina and Athena Diagnostics).

NM_001083961.2(WDR62):c.2975C>T (p.Ser992Leu)

Gene: WDR62 (WD repeat domain 62; plus strand). Cytogenetic location: 19q13.12.
Variant type: single nucleotide variant.
Coding change: c.2975C>T on transcript NM_001083961.2 (MANE Select); coding-DNA position 2975, C replaced by T.
Protein change: p.Ser992Leu; replaces serine 992 with leucine.
Molecular consequence: missense variant.
Genome position (GRCh38, 1-based): chr19:36,101,667, C>T. VCF-style: chr19-36101667-C-T. GRCh37 (hg19) VCF-style: chr19-36592569-C-T.
Other names: c.2975C>T, p.Ser992Leu (NM_173636.5); short protein forms S992L.
Identifiers: ClinVar variation 160276 (VCV000160276.29), dbSNP rs74518295, ClinGen allele CA173919.